The following is an entry in ClinVar:

ClinVar aggregate classification (germline): Uncertain significance (1 of 4 stars; one submission).

Conditions:
Inborn genetic diseases. Identifiers: MedGen C0950123, MeSH D030342.

Submission:

Ambry Genetics
Classification: Uncertain significance for Inborn genetic diseases. Last evaluated: 2025-02-09. Review status: criteria provided, single submitter. Criteria: Ambry Variant Classification Scheme 2023. Collection method: clinical testing. Allele origin: germline.
Comment: The p.P17R variant (also known as c.50C>G), located in coding exon 2 of the CAV1 gene, results from a C to G substitution at nucleotide position 50. The proline at codon 17 is replaced by arginine, an amino acid with dissimilar properties. This amino acid position is conserved. In addition, the in silico prediction for this alteration is inconclusive. Based on the available evidence, the clinical significance of this variant remains unclear.

NM_001753.5(CAV1):c.50C>G (p.Pro17Arg)

Gene: CAV1 (caveolin 1; plus strand). Cytogenetic location: 7q31.2.
Variant type: single nucleotide variant.
Coding change: c.50C>G on transcript NM_001753.5 (MANE Select); coding-DNA position 50, C replaced by G.
Protein change: p.Pro17Arg; replaces proline 17 with arginine.
Molecular consequence: missense variant. On other transcripts: 5 prime UTR variant (3).
Genome position (GRCh38, 1-based): chr7:116,526,544, C>G. VCF-style: chr7-116526544-C-G. GRCh37 (hg19) VCF-style: chr7-116166598-C-G.
Other names: c.-44C>G (NM_001172895.1, NM_001172896.2, NM_001172897.2); short protein forms P17R.
Identifiers: ClinVar variation 3827735 (VCV003827735.1).